The following is an entry in ClinVar:

NM_001961.4(EEF2):c.355C>G (p.Leu119Val)

Gene: EEF2 (eukaryotic translation elongation factor 2; minus strand). Cytogenetic location: 19p13.3.
Variant type: single nucleotide variant.
Coding change: c.355C>G on transcript NM_001961.4 (MANE Select); coding-DNA position 355, C replaced by G.
Protein change: p.Leu119Val; replaces leucine 119 with valine.
Molecular consequence: missense variant.
Genome position (GRCh38, 1-based): chr19:3,983,155, G>C on the plus strand (C>G on the coding strand, the complement: EEF2 is on the minus strand). VCF-style: chr19-3983155-G-C. GRCh37 (hg19) VCF-style: chr19-3983153-G-C.
Other names: short protein forms L119V.
Identifiers: ClinVar variation 4539861 (VCV004539861.1).

ClinVar aggregate classification (germline): Uncertain significance (1 of 4 stars; one submission).

gnomAD v4.1: 2 of 1,614,116 alleles (0.00012%); highest among the groups gnomAD compares: Non-Finnish European, 0.00017%; no homozygotes.

Submission:

GeneDx
Classification: Uncertain significance. Last evaluated: 2025-06-25. Review status: criteria provided, single submitter. Criteria: GeneDx Variant Classification Process June 2021. Collection method: clinical testing. Allele origin: germline. Affected: yes.
Comment: Not observed at significant frequency in large population cohorts (gnomAD); In silico analysis supports that this missense variant has a deleterious effect on protein structure/function; Has not been previously published as pathogenic or benign to our knowledge